The following is an entry in ClinVar:

NM_152564.5(VPS13B):c.8457C>T (p.Ser2819=)

Gene: VPS13B (vacuolar protein sorting 13 homolog B; plus strand). Cytogenetic location: 8q22.2.
Variant type: single nucleotide variant.
Coding change: c.8457C>T on transcript NM_152564.5 (MANE Select); coding-DNA position 8457, C replaced by T.
Protein change: p.Ser2819=; no amino-acid change (serine 2819 retained).
Molecular consequence: synonymous variant.
Genome position (GRCh38, 1-based): chr8:99,818,724, C>T. VCF-style: chr8-99818724-C-T. GRCh37 (hg19) VCF-style: chr8-100830952-C-T.
Other names: c.8532C>T, p.Ser2844= (NM_017890.5).
Identifiers: ClinVar variation 2658708 (VCV002658708.24), dbSNP rs2492010288, ClinGen allele CA462457620.

ClinVar aggregate classification (germline): Likely benign (1 of 4 stars; one submission).

Submission:

CeGaT Center for Human Genetics Tuebingen
Classification: Likely benign. Last evaluated: 2023-06-01. Review status: criteria provided, single submitter. Criteria: CeGaT Center For Human Genetics Tuebingen Variant Classification Criteria Version 2. Collection method: clinical testing. Allele origin: germline. Affected: yes. Observed: 1 variant allele.
Comment: VPS13B: PM2:Supporting, BP4, BP7